The following is an entry in ClinVar:

ClinVar aggregate classification (germline): Uncertain significance (1 of 4 stars; one submission).

Submission:

Labcorp Genetics (formerly Invitae), Labcorp
Classification: Uncertain significance. Last evaluated: 2025-03-31. Review status: criteria provided, single submitter. Criteria: Invitae Variant Classification Sherloc (09022015). Collection method: clinical testing. Allele origin: germline.
Comment: This sequence change replaces threonine, which is neutral and polar, with serine, which is neutral and polar, at codon 1297 of the EYS protein (p.Thr1297Ser). This variant is not present in population databases (gnomAD no frequency). This variant has not been reported in the literature in individuals affected with EYS-related conditions. ClinVar contains an entry for this variant (Variation ID: 3008291). An algorithm developed to predict the effect of missense changes on protein structure and function outputs the following: PolyPhen-2: "Benign". The serine amino acid residue is found in multiple mammalian species, which suggests that this missense change does not adversely affect protein function. In summary, the available evidence is currently insufficient to determine the role of this variant in disease. Therefore, it has been classified as a Variant of Uncertain Significance.

NM_001142800.2(EYS):c.3889A>T (p.Thr1297Ser)

Gene: EYS (EGF-like photoreceptor maintenance factor; minus strand). Cytogenetic location: 6q12.
Variant type: single nucleotide variant.
Coding change: c.3889A>T on transcript NM_001142800.2 (MANE Select); coding-DNA position 3889, A replaced by T.
Protein change: p.Thr1297Ser; replaces threonine 1297 with serine.
Molecular consequence: missense variant.
Genome position (GRCh38, 1-based): chr6:64,591,978, T>A on the plus strand (A>T on the coding strand, the complement: EYS is on the minus strand). VCF-style: chr6-64591978-T-A. GRCh37 (hg19) VCF-style: chr6-65301871-T-A.
Other names: c.3889A>T, p.Thr1297Ser (NM_001292009.2); short protein forms T1297S.
Identifiers: ClinVar variation 3008291 (VCV003008291.3), dbSNP rs1766427477, ClinGen allele CA364784494.